The following is an entry in ClinVar:

ClinVar aggregate classification (germline): Benign (1 of 4 stars; one submission).

Conditions:
BAP1-related tumor predisposition syndrome (TPDS1). Also called: BAP1 tumor predisposition syndrome; Tumor susceptibility linked to germline BAP1 mutations; COMMON Syndrome; TUMOR PREDISPOSITION SYNDROME 1. Identifiers: Orphanet 289539, MedGen C3280492, MONDO:0013692, OMIM 614327.

Submission:

Myriad Genetics, Inc.
Classification: Benign for BAP1-related tumor predisposition syndrome. Last evaluated: 2024-07-15. Review status: criteria provided, single submitter. Criteria: Myriad Autosomal Dominant, Autosomal Recessive and X-Linked Classification Criteria (2023). Collection method: clinical testing. Allele origin: unknown.
Comment: This variant is considered benign. This variant is a silent/synonymous amino acid change and it is not expected to impact splicing.

NM_004656.4(BAP1):c.942G>A (p.Glu314=)

Gene: BAP1 (BRCA1 associated deubiquitinase 1; minus strand). Cytogenetic location: 3p21.1.
Variant type: single nucleotide variant.
Coding change: c.942G>A on transcript NM_004656.4 (MANE Select); coding-DNA position 942, G replaced by A.
Protein change: p.Glu314=; no amino-acid change (glutamic acid 314 retained).
Molecular consequence: synonymous variant.
Genome position (GRCh38, 1-based): chr3:52,405,284, C>T on the plus strand (G>A on the coding strand, the complement: BAP1 is on the minus strand). VCF-style: chr3-52405284-C-T. GRCh37 (hg19) VCF-style: chr3-52439300-C-T.
Other names: c.888G>A, p.Glu296= (NM_001410772.1).
Identifiers: ClinVar variation 3379114 (VCV003379114.1).
Genomic context (GRCh38, chr3:52,405,284, plus strand): 5'-TAGCTTGGGTTTGTTGGGAGGGCTGTGGGATGGGGCTTGTGCGCATGAACCAGCCGCCTC[C>T]TCTGCACCATCTGAGACAGGGCAAGAACACAGGCAGGACCTCCAGTAGGATCTCCAAGAA-3'
Protein context (NP_004647.1, residues 304-324): ASEGNHTDGA[Glu314=]EAAGSCAQAP